The following is an entry in ClinVar:

NM_013338.5(ALG5):c.178T>C (p.Trp60Arg)

Gene: ALG5 (ALG5 dolichyl-phosphate beta-glucosyltransferase; minus strand). Cytogenetic location: 13q13.3.
Variant type: single nucleotide variant.
Coding change: c.178T>C on transcript NM_013338.5 (MANE Select); coding-DNA position 178, T replaced by C.
Protein change: p.Trp60Arg; replaces tryptophan 60 with arginine.
Molecular consequence: missense variant.
Genome position (GRCh38, 1-based): chr13:36,995,485, A>G on the plus strand (T>C on the coding strand, the complement: ALG5 is on the minus strand). VCF-style: chr13-36995485-A-G. GRCh37 (hg19) VCF-style: chr13-37569622-A-G.
Other names: c.178T>C, p.Trp60Arg (NM_001142364.1); short protein forms W60R.
Identifiers: ClinVar variation 3350218 (VCV003350218.1).

ClinVar aggregate classification (germline): Likely benign (0 of 4 stars; one submission).

Conditions:
ALG5-related disorder. Also called: ALG5-related condition.

gnomAD v4.1: 512 of 1,611,486 alleles (0.032%); highest among the groups gnomAD compares: African/African-American, 0.61%; 2 homozygotes.

Submission:

PreventionGenetics, part of Exact Sciences
Classification: Likely benign for ALG5-related condition. Last evaluated: 2024-08-05. Review status: no assertion criteria provided. Collection method: clinical testing. Allele origin: germline.
Comment: This variant is classified as likely benign based on ACMG/AMP sequence variant interpretation guidelines (Richards et al. 2015 PMID: 25741868, with internal and published modifications).